The following is an entry in ClinVar:

ClinVar aggregate classification (germline): Uncertain significance. Review status: criteria provided, multiple submitters, no conflicts (2 of 4 stars). 2 submissions from 2 submitters: Uncertain significance (2). Last evaluated 2024-08-08.

Conditions:
Tuberous sclerosis 1 (TSC1). Identifiers: Orphanet 805, MedGen C1854465, MONDO:0008612, OMIM 191100.
Hereditary cancer-predisposing syndrome. Also called: Tumor predisposition; Neoplastic Syndromes, Hereditary; Hereditary Cancer Syndrome; Hereditary neoplastic syndrome. Identifiers: Orphanet 140162, MedGen C0027672, MeSH D009386, MONDO:0015356.

Submissions (2):

Labcorp Genetics (formerly Invitae), Labcorp
Classification: Uncertain significance for Tuberous sclerosis 1. Last evaluated: 2024-08-08. Review status: criteria provided, single submitter. Criteria: Invitae Variant Classification Sherloc (09022015). Collection method: clinical testing. Allele origin: germline.
Comment: This sequence change replaces histidine, which is basic and polar, with proline, which is neutral and non-polar, at codon 105 of the TSC1 protein (p.His105Pro). This variant is not present in population databases (gnomAD no frequency). This variant has not been reported in the literature in individuals affected with TSC1-related conditions. ClinVar contains an entry for this variant (Variation ID: 1061582). Advanced modeling of protein sequence and biophysical properties (such as structural, functional, and spatial information, amino acid conservation, physicochemical variation, residue mobility, and thermodynamic stability) performed at Invitae indicates that this missense variant is not expected to disrupt TSC1 protein function with a negative predictive value of 95%. In summary, the available evidence is currently insufficient to determine the role of this variant in disease. Therefore, it has been classified as a Variant of Uncertain Significance.

Sema4
Classification: Uncertain significance for Hereditary cancer-predisposing syndrome. Last evaluated: 2021-07-10. Review status: criteria provided, single submitter. Criteria: Sema4 Curation Guidelines. Collection method: curation. Allele origin: germline.
Comment: The TSC1 c.314A>C (p.H105P) variant has not been reported in the literature to our knowledge. It was not observed in the large and broad cohorts of the Genome Aggregation Database (PMID: 32461654). The variant has been reported in ClinVar (Variation ID 1061582). In silico tools suggest the impact of the variant on protein function is deleterious, though these predictions have not been confirmed by functional studies. The evidence is insufficient to meet ACMG/AMP criteria for classifying the variant as benign or pathogenic. Thus, the clinical significance of this variant is currently uncertain.

NM_000368.5(TSC1):c.314A>C (p.His105Pro)

Gene: TSC1 (TSC complex subunit 1; minus strand). Cytogenetic location: 9q34.13.
Variant type: single nucleotide variant.
Coding change: c.314A>C on transcript NM_000368.5 (MANE Select); coding-DNA position 314, A replaced by C.
Protein change: p.His105Pro; replaces histidine 105 with proline.
Molecular consequence: missense variant. On other transcripts: 5 prime UTR variant (1), intron variant (1).
Genome position (GRCh38, 1-based): chr9:132,925,636, T>G on the plus strand (A>C on the coding strand, the complement: TSC1 is on the minus strand). VCF-style: chr9-132925636-T-G. GRCh37 (hg19) VCF-style: chr9-135801023-T-G.
Other names: c.314A>C, p.His105Pro (NM_001162426.2); c.-50A>C (NM_001362177.2); c.210+1565A>C (NM_001162427.2); short protein forms H105P.
Identifiers: ClinVar variation 1061582 (VCV001061582.10), dbSNP rs758924121, ClinGen allele CA375374474.
Genomic context (GRCh38, chr9:132,925,636, plus strand): 5'-AAACATCCTACCTTGAGACATTTTAGTAAAGAAGGCAAAAGAGGTGCTTGAGAGAGCTTA[T>G]GCTTCCAAGATGGCTGCAGTCTTATGACATGACCCAGTAACGAGAGGATGGATAAACGAG-3'
Protein context (NP_000359.1, residues 95-115): HVIRLQPSWK[His105Pro]KLSQAPLLPS